The following is an entry in ClinVar:

NM_004204.5(PIGQ):c.1428G>A (p.Leu476=)

Gene: PIGQ (phosphatidylinositol glycan anchor biosynthesis class Q; plus strand). Cytogenetic location: 16p13.3.
Variant type: single nucleotide variant.
Coding change: c.1428G>A on transcript NM_004204.5 (MANE Select); coding-DNA position 1428, G replaced by A.
Protein change: p.Leu476=; no amino-acid change (leucine 476 retained).
Molecular consequence: synonymous variant.
Genome position (GRCh38, 1-based): chr16:580,869, G>A. VCF-style: chr16-580869-G-A. GRCh37 (hg19) VCF-style: chr16-630869-G-A.
Other names: c.1428G>A, p.Leu476= (NM_148920.4).
Identifiers: ClinVar variation 4822258 (VCV004822258.4).

ClinVar aggregate classification (germline): Likely benign (1 of 4 stars; one submission).

Submission:

CeGaT Center for Human Genetics Tuebingen
Classification: Likely benign. Last evaluated: 2026-03-01. Review status: criteria provided, single submitter. Criteria: CeGaT Center For Human Genetics Tuebingen Variant Classification Criteria Version 2. Collection method: clinical testing. Allele origin: germline. Affected: yes. Observed: 1 variant allele.
Comment: PIGQ: PM2:Supporting, BP4, BP7